The following is an entry in ClinVar:

ClinVar aggregate classification (germline): Uncertain significance (1 of 4 stars; one submission).

Allele frequency attached by ClinVar (database versions not stated): gnomAD exomes below 0.00001.
gnomAD v4.1: 1 of 1,613,228 alleles (0.000062%); highest among the groups gnomAD compares: Non-Finnish European, 0.000085%; no homozygotes.

Submission:

Laboratory for Molecular Medicine, Mass General Brigham Personalized Medicine
Classification: Uncertain significance. Last evaluated: 2018-07-13. Review status: criteria provided, single submitter. Criteria: LMM Criteria. Collection method: clinical testing. Allele origin: germline. Observed: 1 variant allele.
Comment: Variant classified as Uncertain Significance - Favor Benign. The p.Ile1285Ile va riant in SYNE1 has not been previously reported in individuals with spinocerebel lar ataxia and was absent from large population studies. This variant does not a lter an amino acid residue and is not located within the splice consensus sequen ce. Splice prediction algorithms suggest that the variant could disrupt an exoni c splice enhancer (ESE); however, functional prediction of ESEs is still very li mited. In summary, the clinical significance of the p.Ile1285Ile variant is unce rtain. ACMG/AMP criteria applied: PM2, BP7.

NM_182961.4(SYNE1):c.3855C>T (p.Ile1285=)

Gene: SYNE1 (spectrin repeat containing nuclear envelope protein 1; minus strand). Cytogenetic location: 6q25.2.
Variant type: single nucleotide variant.
Coding change: c.3855C>T on transcript NM_182961.4 (MANE Select); coding-DNA position 3855, C replaced by T.
Protein change: p.Ile1285=; no amino-acid change (isoleucine 1285 retained).
Molecular consequence: synonymous variant.
Genome position (GRCh38, 1-based): chr6:152,442,228, G>A on the plus strand (C>T on the coding strand, the complement: SYNE1 is on the minus strand). VCF-style: chr6-152442228-G-A. GRCh37 (hg19) VCF-style: chr6-152763363-G-A.
Other names: c.3876C>T, p.Ile1292= (NM_033071.5).
Identifiers: ClinVar variation 667330 (VCV000667330.4), dbSNP rs1592776784, ClinGen allele CA452765374.